The following is an entry in ClinVar:

NM_017950.4(CCDC40):c.2740dup (p.Ile914fs)

Gene: CCDC40 (coiled-coil domain 40 molecular ruler complex subunit; plus strand). Cytogenetic location: 17q25.3.
Variant type: Duplication.
Coding change: c.2740dup on transcript NM_017950.4 (MANE Select); coding-DNA position 2740, one base duplicated (A; older notation c.2740dupA).
Protein change: p.Ile914fs; shifts the reading frame from isoleucine 914.
Molecular consequence: frameshift variant.
Genome position (GRCh38, 1-based): chr17:80,089,792, A duplicated; the last of 7 consecutive A bases (chr17:80,089,786-80,089,792); duplicating any one gives the same sequence. VCF-style (leftmost placement, unchanged base first): chr17-80089785-G-GA. GRCh37 (hg19) VCF-style: chr17-78063584-G-GA.
Other names: c.2740dup, p.Ile914fs (NM_001243342.2); short protein forms I914fs.
Identifiers: ClinVar variation 3730225 (VCV003730225.2).

ClinVar aggregate classification (germline): Pathogenic (1 of 4 stars; one submission).

Conditions:
Primary ciliary dyskinesia. Also called: Ciliary dyskinesia. Identifiers: Orphanet 244, MedGen C0008780, MONDO:0016575, HP:0012265.

Submission:

Labcorp Genetics (formerly Invitae), Labcorp
Classification: Pathogenic for Primary ciliary dyskinesia. Last evaluated: 2024-06-25. Review status: criteria provided, single submitter. Criteria: Invitae Variant Classification Sherloc (09022015). Collection method: clinical testing. Allele origin: germline.
Comment: This sequence change creates a premature translational stop signal (p.Ile914Asnfs*84) in the CCDC40 gene. It is expected to result in an absent or disrupted protein product. Loss-of-function variants in CCDC40 are known to be pathogenic (PMID: 21131974, 22693285, 23255504). This variant is not present in population databases (gnomAD no frequency). This variant has not been reported in the literature in individuals affected with CCDC40-related conditions. For these reasons, this variant has been classified as Pathogenic.

Literature cited by the submitters: PubMed 21131974; PubMed 22693285; PubMed 23255504.